The following is an entry in ClinVar:

NM_022081.6(HPS4):c.316A>C (p.Lys106Gln)

Gene: HPS4 (HPS4 biogenesis of lysosomal organelles complex 3 subunit 2; minus strand). Cytogenetic location: 22q12.1.
Variant type: single nucleotide variant.
Coding change: c.316A>C on transcript NM_022081.6 (MANE Select); coding-DNA position 316, A replaced by C.
Protein change: p.Lys106Gln; replaces lysine 106 with glutamine.
Molecular consequence: missense variant. On other transcripts: non-coding transcript variant (8).
Genome position (GRCh38, 1-based): chr22:26,472,900, T>G on the plus strand (A>C on the coding strand, the complement: HPS4 is on the minus strand). VCF-style: chr22-26472900-T-G. GRCh37 (hg19) VCF-style: chr22-26868866-T-G.
Other names: c.316A>C, p.Lys106Gln (NM_001349896.1, NM_001349898.2, NM_001349899.2 and 6 more transcripts); c.301A>C, p.Lys101Gln (NM_152841.2); short protein forms K101Q, K106Q.
Identifiers: ClinVar variation 1337499 (VCV001337499.4), dbSNP rs149817614, ClinGen allele CA10163749.

ClinVar aggregate classification (germline): Uncertain significance (1 of 4 stars; one submission).

Allele frequency attached by ClinVar (database versions not stated): ExAC 0.00002; gnomAD exomes 0.00002; gnomAD 0.00003; TOPMed 0.00003; ESP Exome Variant Server 0.00008.
gnomAD v4.1: 4 of 1,614,130 alleles (0.00025%); highest among the groups gnomAD compares: African/African-American, 0.0053%; no homozygotes.

Submission:

Genetic Services Laboratory, University of Chicago
Classification: Uncertain significance. Last evaluated: 2020-01-14. Review status: criteria provided, single submitter. Criteria: ACMG Guidelines, 2015. Collection method: clinical testing. Allele origin: germline. Affected: no.
Comment: DNA sequence analysis of the HPS4 gene demonstrated a sequence change, c.316A>C, in exon 5 results in an amino acid change, p.Lys106Gln. This sequence change does not appear to have been previously described in patients with HPS4-related disorders and has been described in the gnomAD database in four individuals (dbSNP rs149817614). The p.Lys106Gln change affects a poorly conserved amino acid residue located in a domain of the HPS4 protein that is not known to be functional. The p.Lys106Gln substitution appears to be benign using several in-silico pathogenicity prediction tools (SIFT, PolyPhen2, Align GVGD, REVEL).. Due to these contrasting evidences and the lack of functional studies, the clinical significance of the p.Lys106Gln change remains unknown at this time.